The following is an entry in ClinVar:

ClinVar aggregate classification (germline): Conflicting classifications of pathogenicity. Review status: criteria provided, conflicting classifications (1 of 4 stars). 4 submissions from 4 submitters: Uncertain significance (3); Likely benign (1). Last evaluated 2024-08-10.

Conditions:
Hereditary cancer-predisposing syndrome. Also called: Tumor predisposition; Hereditary Cancer Syndrome; Neoplastic Syndromes, Hereditary; Hereditary neoplastic syndrome. Identifiers: Orphanet 140162, MedGen C0027672, MeSH D009386, MONDO:0015356.
Hereditary breast ovarian cancer syndrome. Also called: BRCA1- and BRCA2-Associated Hereditary Breast and Ovarian Cancer; Hereditary breast and ovarian cancer syndrome; Hereditary breast and ovarian cancer; Hereditary breast and ovarian cancer syndrome (HBOC); Hereditary breast and/or ovarian cancer syndrome; Breast and ovarian cancer. Identifiers: Orphanet 145, MedGen C0677776, MeSH D061325, MONDO:0003582. Disease mechanism: loss of function.

Submissions (4):

Ambry Genetics
Classification: Uncertain significance for Hereditary cancer-predisposing syndrome. Last evaluated: 2024-08-10. Review status: criteria provided, single submitter. Criteria: Ambry Variant Classification Scheme 2023. Collection method: clinical testing. Allele origin: germline.
Comment: The p.T868I variant (also known as c.2603C>T), located in coding exon 10 of the BRCA2 gene, results from a C to T substitution at nucleotide position 2603. The threonine at codon 868 is replaced by isoleucine, an amino acid with similar properties. This amino acid position is not well conserved in available vertebrate species. In addition, this alteration is predicted to be tolerated by in silico analysis. Since supporting evidence is limited at this time, the clinical significance of this alteration remains unclear.

Labcorp Genetics (formerly Invitae), Labcorp
Classification: Uncertain significance for Hereditary breast ovarian cancer syndrome. Last evaluated: 2023-10-05. Review status: criteria provided, single submitter. Criteria: Invitae Variant Classification Sherloc (09022015). Collection method: clinical testing. Allele origin: germline.
Comment: This sequence change replaces threonine, which is neutral and polar, with isoleucine, which is neutral and non-polar, at codon 868 of the BRCA2 protein (p.Thr868Ile). This variant is not present in population databases (gnomAD no frequency). This variant has not been reported in the literature in individuals affected with BRCA2-related conditions. ClinVar contains an entry for this variant (Variation ID: 619801). Advanced modeling of protein sequence and biophysical properties (such as structural, functional, and spatial information, amino acid conservation, physicochemical variation, residue mobility, and thermodynamic stability) performed at Invitae indicates that this missense variant is not expected to disrupt BRCA2 protein function. In summary, the available evidence is currently insufficient to determine the role of this variant in disease. Therefore, it has been classified as a Variant of Uncertain Significance.

University of Washington Department of Laboratory Medicine, University of Washington
Classification: Likely benign for Hereditary cancer-predisposing syndrome. Last evaluated: 2023-03-23. Review status: criteria provided, single submitter. Criteria: Dines et al. (Genet Med. 2020). Collection method: curation. Allele origin: germline.
Comment: Missense variant in a coldspot region where missense variants are very unlikely to be pathogenic (PMID:31911673).

BRCA2 exon 11 coldspot. Reclassification based on statistical prior probability.

Quest Diagnostics Nichols Institute San Juan Capistrano
Classification: Uncertain significance. Last evaluated: 2018-04-13. Review status: criteria provided, single submitter. Criteria: Quest Diagnostics criteria. Collection method: clinical testing. Allele origin: germline.

NM_000059.4(BRCA2):c.2603C>T (p.Thr868Ile)

Gene: BRCA2 (BRCA2 DNA repair associated; plus strand). Cytogenetic location: 13q13.1.
Variant type: single nucleotide variant.
Coding change: c.2603C>T on transcript NM_000059.4 (MANE Select); coding-DNA position 2603, C replaced by T.
Protein change: p.Thr868Ile; replaces threonine 868 with isoleucine.
Molecular consequence: missense variant.
Genome position (GRCh38, 1-based): chr13:32,336,958, C>T. VCF-style: chr13-32336958-C-T. GRCh37 (hg19) VCF-style: chr13-32911095-C-T.
Other names: short protein forms T868I.
Identifiers: ClinVar variation 619801 (VCV000619801.12), dbSNP rs1566227012, ClinGen allele CA387772634.